The following is an entry in ClinVar:

ClinVar aggregate classification (germline): Likely benign (1 of 4 stars; one submission).

Conditions:
Papillary renal cell carcinoma type 1 (RCCP1). Also called: Renal adenocarcinoma; Renal cell carcinoma 1; Renal cell carcinoma, somatic; RENAL CELL CARCINOMA, PAPILLARY, 1, SOMATIC. Identifiers: Orphanet 47044, MedGen C1336839, OMIM 605074, HP:0011797.

Submission:

Myriad Genetics, Inc.
Classification: Likely benign for Papillary renal cell carcinoma type 1. Last evaluated: 2024-11-05. Review status: criteria provided, single submitter. Criteria: Myriad Autosomal Dominant, Autosomal Recessive and X-Linked Classification Criteria (2023). Collection method: clinical testing. Allele origin: unknown.
Comment: This variant is considered likely benign. This variant is intronic and is not expected to impact mRNA splicing.

NM_000245.4(MET):c.-14-4G>T

Gene: MET (MET proto-oncogene, receptor tyrosine kinase; plus strand). Cytogenetic location: 7q31.2.
Variant type: single nucleotide variant.
Coding change: c.-14-4G>T on transcript NM_000245.4 (MANE Select); 4 bases into the intron before 14 bases upstream of the start codon, G replaced by T.
Molecular consequence: intron variant.
Genome position (GRCh38, 1-based): chr7:116,699,067, G>T. VCF-style: chr7-116699067-G-T. GRCh37 (hg19) VCF-style: chr7-116339121-G-T.
Other names: c.-14-4G>T (NM_001127500.3, NM_001324401.3); c.-91+26490G>T (NM_001324402.2).
Identifiers: ClinVar variation 3773074 (VCV003773074.1).